The following is an entry in ClinVar:

NM_199242.3(UNC13D):c.2678G>A (p.Arg893Gln)

Genes: UNC13D (unc-13 homolog D; minus strand), LOC112533672 (Sharpr-MPRA regulatory region 1193; plus strand). Cytogenetic location: 17q25.1.
Variant type: single nucleotide variant.
Coding change: c.2678G>A on transcript NM_199242.3 (MANE Select); coding-DNA position 2678, G replaced by A.
Protein change: p.Arg893Gln; replaces arginine 893 with glutamine.
Molecular consequence: missense variant.
Genome position (GRCh38, 1-based): chr17:75,830,609, C>T on the plus strand (G>A on the coding strand, the complement: UNC13D is on the minus strand). VCF-style: chr17-75830609-C-T. GRCh37 (hg19) VCF-style: chr17-73826690-C-T.
Other names: short protein forms R893Q.
Identifiers: ClinVar variation 1694212 (VCV001694212.7), dbSNP rs759502435, ClinGen allele CA8772434.

ClinVar aggregate classification (germline): Uncertain significance. Review status: criteria provided, multiple submitters, no conflicts (2 of 4 stars). 3 submissions from 3 submitters: Uncertain significance (3). Last evaluated 2026-05-01.

Conditions:
Autoinflammatory syndrome. Identifiers: Orphanet 93665, MedGen C3890737, MONDO:0019751.
Familial hemophagocytic lymphohistiocytosis 3 (FHL3). Also called: UNC13D-Related Familial Hemophagocytic Lymphohistiocytosis (UNC13D-fHLH). Identifiers: Orphanet 540, MedGen C1837174, MONDO:0012146, OMIM 608898.

Allele frequency attached by ClinVar (database versions not stated): TOPMed below 0.00001; gnomAD 0.00001; gnomAD exomes 0.00001.
gnomAD v4.1: 15 of 1,559,072 alleles (0.00096%); highest among the groups gnomAD compares: Admixed American, 0.0038%; no homozygotes.

Submissions (3):

CeGaT Center for Human Genetics Tuebingen
Classification: Uncertain significance. Last evaluated: 2026-05-01. Review status: criteria provided, single submitter. Criteria: CeGaT Center For Human Genetics Tuebingen Variant Classification Criteria Version 2. Collection method: clinical testing. Allele origin: germline. Affected: yes. Observed: 1 variant allele.
Comment: UNC13D: PM2, BP4

Labcorp Genetics (formerly Invitae), Labcorp
Classification: Uncertain significance for Familial hemophagocytic lymphohistiocytosis 3. Last evaluated: 2022-05-24. Review status: criteria provided, single submitter. Criteria: Invitae Variant Classification Sherloc (09022015). Collection method: clinical testing. Allele origin: germline.
Comment: This sequence change replaces arginine, which is basic and polar, with glutamine, which is neutral and polar, at codon 893 of the UNC13D protein (p.Arg893Gln). The frequency data for this variant in the population databases is considered unreliable, as metrics indicate poor data quality at this position in the gnomAD database. This variant has not been reported in the literature in individuals affected with UNC13D-related conditions. Algorithms developed to predict the effect of missense changes on protein structure and function output the following: SIFT: "Not Available"; PolyPhen-2: "Benign"; Align-GVGD: "Not Available". The glutamine amino acid residue is found in multiple mammalian species, which suggests that this missense change does not adversely affect protein function. In summary, the available evidence is currently insufficient to determine the role of this variant in disease. Therefore, it has been classified as a Variant of Uncertain Significance.

Genome Diagnostics Laboratory, The Hospital for Sick Children
Classification: Uncertain significance for Autoinflammatory syndrome. Last evaluated: 2019-11-01. Review status: criteria provided, single submitter. Criteria: ACMG Guidelines, 2015. Collection method: clinical testing. Allele origin: germline. Affected: yes.